The following is an entry in ClinVar:

ClinVar aggregate classification (germline): Uncertain significance (1 of 4 stars; one submission).

Conditions:
Congenital myopathy with internal nuclei and atypical cores. Also called: Myopathy, centronuclear, 4. Identifiers: Orphanet 319160, MedGen C4707232, MONDO:0013890, OMIM 614807.

Submission:

Labcorp Genetics (formerly Invitae), Labcorp
Classification: Uncertain significance for Congenital myopathy with internal nuclei and atypical cores. Last evaluated: 2024-04-27. Review status: criteria provided, single submitter. Criteria: Invitae Variant Classification Sherloc (09022015). Collection method: clinical testing. Allele origin: germline.
Comment: This sequence change creates a premature translational stop signal (p.Gln134Argfs*19) in the CCDC78 gene. It is expected to result in an absent or disrupted protein product. However, the current clinical and genetic evidence is not sufficient to establish whether loss-of-function variants in CCDC78 cause disease. This variant is present in population databases (rs758119082, gnomAD 0.02%). This variant has not been reported in the literature in individuals affected with CCDC78-related conditions. ClinVar contains an entry for this variant (Variation ID: 1502718). In summary, the available evidence is currently insufficient to determine the role of this variant in disease. Therefore, it has been classified as a Variant of Uncertain Significance.

NM_001378030.1(CCDC78):c.400del (p.Gln134fs)

Gene: CCDC78 (coiled-coil domain containing 78; minus strand). Cytogenetic location: 16p13.3.
Variant type: Deletion.
Coding change: c.400del on transcript NM_001378030.1 (MANE Select); coding-DNA position 400, one base deleted (C; older notation c.400delC).
Protein change: p.Gln134fs; shifts the reading frame from glutamine 134.
Molecular consequence: frameshift variant. On other transcripts: non-coding transcript variant (5), intron variant (1).
Genome position (GRCh38, 1-based): chr16:725,448, G deleted on the plus strand (C on the coding strand, the reverse complement: CCDC78 is on the minus strand); the first of 3 consecutive G bases (chr16:725,448-725,450); deleting any one gives the same sequence. VCF-style (leftmost placement, unchanged base first): chr16-725447-TG-T. GRCh37 (hg19) VCF-style: chr16-775447-TG-T.
Other names: c.400del, p.Gln134fs (NM_001031737.3, NM_001378031.1); c.-18-155del (NM_001378033.1); short protein forms Q134fs.
Identifiers: ClinVar variation 1502718 (VCV001502718.6), dbSNP rs758119082, ClinGen allele CA7789628.